The following is an entry in ClinVar:

NM_005632.3(CAPN15):c.54C>T (p.Ala18=)

Gene: CAPN15 (calpain 15; plus strand). Cytogenetic location: 16p13.3.
Variant type: single nucleotide variant.
Coding change: c.54C>T on transcript NM_005632.3 (MANE Select); coding-DNA position 54, C replaced by T.
Protein change: p.Ala18=; no amino-acid change (alanine 18 retained).
Molecular consequence: synonymous variant.
Genome position (GRCh38, 1-based): chr16:546,892, C>T. VCF-style: chr16-546892-C-T. GRCh37 (hg19) VCF-style: chr16-596892-C-T.
Identifiers: ClinVar variation 4281082 (VCV004281082.8).

ClinVar aggregate classification (germline): Likely benign. Review status: criteria provided, multiple submitters, no conflicts (2 of 4 stars). 2 submissions from 2 submitters: Likely benign (2). Last evaluated 2025-09-01.

gnomAD v4.1: 39 of 1,611,430 alleles (0.0024%); highest among the groups gnomAD compares: African/African-American, 0.0067%; no homozygotes.

Submissions (2):

CeGaT Center for Human Genetics Tuebingen
Classification: Likely benign. Last evaluated: 2025-09-01. Review status: criteria provided, single submitter. Criteria: CeGaT Center For Human Genetics Tuebingen Variant Classification Criteria Version 2. Collection method: clinical testing. Allele origin: germline. Affected: yes. Observed: 1 variant allele.
Comment: CAPN15: BP4, BP7

Blueprint Genetics
Classification: Likely benign. Last evaluated: 2024-07-09. Review status: criteria provided, single submitter. Criteria: ACMG Guidelines, 2015. Collection method: clinical testing. Allele origin: germline.